The following is an entry in ClinVar:

NM_000443.4(ABCB4):c.*20T>C

Gene: ABCB4 (ATP binding cassette subfamily B member 4; minus strand). Cytogenetic location: 7q21.12.
Variant type: single nucleotide variant.
Coding change: c.*20T>C on transcript NM_000443.4 (MANE Select); 20 bases downstream of the stop codon, T replaced by C.
Molecular consequence: 3 prime UTR variant.
Genome position (GRCh38, 1-based): chr7:87,402,076, A>G on the plus strand (T>C on the coding strand, the complement: ABCB4 is on the minus strand). VCF-style: chr7-87402076-A-G. GRCh37 (hg19) VCF-style: chr7-87031392-A-G.
Other names: c.*20T>C (NM_018849.3, NM_018850.3).
Identifiers: ClinVar variation 4846325 (VCV004846325.1).

ClinVar aggregate classification (germline): Uncertain significance (1 of 4 stars; one submission).

Conditions:
Familial intrahepatic cholestasis. Identifiers: Orphanet 284385, MedGen CN296401, MONDO:0017290.
Low phospholipid associated cholelithiasis (GBD1). Also called: Gallbladder disease 1; Gallstone cholecystitis. Identifiers: Orphanet 69663, MedGen C2609268, MONDO:0010939, OMIM 600803.

gnomAD v4.1: 2 of 1,613,434 alleles (0.00012%); highest among the groups gnomAD compares: Non-Finnish European, 0.00017%; no homozygotes.

Submission:

Genomenon, Inc
Classification: Uncertain significance for Familial intrahepatic cholestasis; Low phospholipid associated cholelithiasis. Last evaluated: 2026-04-14. Review status: criteria provided, single submitter. Criteria: Genomenon Sequence Variant Interpretation Standards - Updated. Collection method: curation. Allele origin: germline. Affected: no.
Comment: ABCB4 c.*20T>C is a variant located in the 3′ untranslated region (3′ UTR). This variant has been reported in the published literature (PMID:30079523). It is absent or not present at a significant frequency in gnomAD. In conclusion, we classify ABCB4 c.*20T>C as a variant of uncertain significance.

Literature cited by the submitters: PubMed 30079523.